The following is an entry in ClinVar:

NM_015135.3(NUP205):c.4827C>T (p.Ile1609=)

Gene: NUP205 (nucleoporin 205; plus strand). Cytogenetic location: 7q33.
Variant type: single nucleotide variant.
Coding change: c.4827C>T on transcript NM_015135.3 (MANE Select); coding-DNA position 4827, C replaced by T.
Protein change: p.Ile1609=; no amino-acid change (isoleucine 1609 retained).
Molecular consequence: synonymous variant.
Genome position (GRCh38, 1-based): chr7:135,628,006, C>T. VCF-style: chr7-135628006-C-T. GRCh37 (hg19) VCF-style: chr7-135312754-C-T.
Other names: c.3753C>T, p.Ile1251= (NM_001329434.2).
Identifiers: ClinVar variation 3048927 (VCV003048927.2), dbSNP rs766347234, ClinGen allele CA4498994.
Genomic context (GRCh38, chr7:135,628,006, plus strand): 5'-GTTTTCTCCTTGTTTGGTTGAAATAAGCATGTTTGGCATGAGAGACCCTCCAATGTTCAT[C>T]CCTACCCCAGTGGATCGCTACCGCCAGATTCTCCTCCCAGCTCTCCAGCTGTGCCAGGTC-3'
Protein context (NP_055950.2, residues 1599-1619): MFGMRDPPMF[Ile1609=]PTPVDRYRQI

ClinVar aggregate classification (germline): Likely benign (0 of 4 stars; one submission).

Conditions:
NUP205-related disorder. Also called: NUP205-related condition.

Allele frequency attached by ClinVar (database versions not stated): ExAC 0.00003; gnomAD 0.00003; gnomAD exomes 0.00007.
gnomAD v4.1: 110 of 1,612,086 alleles (0.0068%); highest among the groups gnomAD compares: Non-Finnish European, 0.0091%; no homozygotes.

Submission:

PreventionGenetics, part of Exact Sciences
Classification: Likely benign for NUP205-related condition. Last evaluated: 2019-11-25. Review status: no assertion criteria provided. Collection method: clinical testing. Allele origin: germline.
Comment: This variant is classified as likely benign based on ACMG/AMP sequence variant interpretation guidelines (Richards et al. 2015 PMID: 25741868, with internal and published modifications).